The following is an entry in ClinVar:

NM_014982.3(PCNX1):c.3049G>T (p.Ala1017Ser)

Gene: PCNX1 (pecanex 1; plus strand). Cytogenetic location: 14q24.2.
Variant type: single nucleotide variant.
Coding change: c.3049G>T on transcript NM_014982.3 (MANE Select); coding-DNA position 3049, G replaced by T.
Protein change: p.Ala1017Ser; replaces alanine 1017 with serine.
Molecular consequence: missense variant.
Genome position (GRCh38, 1-based): chr14:71,019,061, G>T. VCF-style: chr14-71019061-G-T. GRCh37 (hg19) VCF-style: chr14-71485778-G-T.
Other names: c.2716G>T, p.Ala906Ser (NM_001308160.2); short protein forms A1017S, A906S.
Identifiers: ClinVar variation 161686 (VCV000161686.2), dbSNP rs193920949, ClinGen allele CA273007.

ClinVar aggregate classification (germline): Uncertain significance (0 of 4 stars; one submission).

Conditions:
Prostate cancer. Also called: Malignant tumor of prostate. Identifiers: Orphanet 1331, MedGen C0376358, MONDO:0008315, HP:0012125.

Submission:

Science for Life laboratory,  Karolinska Institutet
Classification: Uncertain significance for Malignant tumor of prostate. Review status: no assertion criteria provided. Collection method: not provided. Allele origin: somatic.
Comment: TumorID:SWE-2
ClinVar note: Converted during submission from Unknown to Uncertain significance.